The following is an entry in ClinVar:

NM_005327.7(HADH):c.47C>T (p.Ser16Phe)

Gene: HADH (hydroxyacyl-CoA dehydrogenase; plus strand). Cytogenetic location: 4q25.
Variant type: single nucleotide variant.
Coding change: c.47C>T on transcript NM_005327.7 (MANE Select); coding-DNA position 47, C replaced by T.
Protein change: p.Ser16Phe; replaces serine 16 with phenylalanine.
Molecular consequence: missense variant.
Genome position (GRCh38, 1-based): chr4:107,989,979, C>T. VCF-style: chr4-107989979-C-T. GRCh37 (hg19) VCF-style: chr4-108911135-C-T.
Other names: c.47C>T, p.Ser16Phe (NM_001184705.4); short protein forms S16F.
Identifiers: ClinVar variation 917461 (VCV000917461.5), dbSNP rs374248298, ClinGen allele CA3037315.

ClinVar aggregate classification (germline): Uncertain significance/Uncertain risk allele. Review status: criteria provided, multiple submitters, no conflicts (2 of 4 stars). 3 submissions from 3 submitters: Uncertain significance (2); Uncertain risk allele (1). Last evaluated 2021-09-24.

Conditions:
Hyperinsulinemic hypoglycemia. Also called: Hyperinsulinemia hypoglycemia; Hyperinsulinemic hypoglycemia (disease). Identifiers: Orphanet 443095, MedGen C1864903, MONDO:0005803, HP:0000825.
Deficiency of 3-hydroxyacyl-CoA dehydrogenase. Also called: HADH DEFICIENCY; 3-hydroxyacyl-CoA dehydrogenase deficiency. Identifiers: Orphanet 309127, Orphanet 71212, MedGen C1291230, MONDO:0017715, OMIM 231530.
Monogenic diabetes. Identifiers: Orphanet 183625, MedGen C3888631, MONDO:0015967.

Allele frequency attached by ClinVar (database versions not stated): gnomAD exomes 0.00002; TOPMed 0.00002; gnomAD 0.00003; ExAC 0.00005; ESP Exome Variant Server 0.00008.
gnomAD v4.1: 14 of 1,612,888 alleles (0.00087%); highest among the groups gnomAD compares: African/African-American, 0.0013%; no homozygotes.

Submissions (3):

Labcorp Genetics (formerly Invitae), Labcorp
Classification: Uncertain significance for Deficiency of 3-hydroxyacyl-CoA dehydrogenase. Last evaluated: 2021-09-24. Review status: criteria provided, single submitter. Criteria: Invitae Variant Classification Sherloc (09022015). Collection method: clinical testing. Allele origin: germline.
Comment: This sequence change replaces serine with phenylalanine at codon 16 of the HADH protein (p.Ser16Phe). The serine residue is moderately conserved and there is a large physicochemical difference between serine and phenylalanine. This variant is present in population databases (rs374248298, ExAC 0.008%). This variant has not been reported in the literature in individuals affected with HADH-related conditions. ClinVar contains an entry for this variant (Variation ID: 917461). Algorithms developed to predict the effect of missense changes on protein structure and function are either unavailable or do not agree on the potential impact of this missense change (SIFT: "Deleterious"; PolyPhen-2: "Benign"; Align-GVGD: "Class C0"). In summary, the available evidence is currently insufficient to determine the role of this variant in disease. Therefore, it has been classified as a Variant of Uncertain Significance.

Personalized Diabetes Medicine Program, University of Maryland School of Medicine
Classification: Uncertain significance for Monogenic diabetes. Last evaluated: 2019-01-18. Review status: criteria provided, single submitter. Criteria: ACMG Guidelines, 2015. Collection method: research. Allele origin: unknown. Observed: 1 variant allele, 1 heterozygote.
Comment: ACMG criteria: BP4 (REVEL 0.123 + 7 predictors) = VUS

Clinical Genomics, Uppaluri K&H Personalized Medicine Clinic
Classification: Uncertain risk allele for Hyperinsulinemic hypoglycemia. Review status: criteria provided, single submitter. Criteria: K & H Uppaluri Personalized Medicine Clinic Variant Classification & Assertion Criteria_Updated V.1. Collection method: research. Allele origin: unknown. Inheritance: Autosomal recessive inheritance.
Comment: Potent mutations in HADH gene are associated with congenital hyperinsulinism, which leads to recurrent hypoglycemia. The condition is exacerbated by stress, fasting or excessive dietary protein. May respond well to diazoxide. However, the role of this particular variant rs374248298 in congenital hyperinsulinism is yet to be ascertained.

Literature cited by the submitters: PubMed 34547194 (cited by Clinical Genomics, Uppaluri K&H Personalized Medicine Clinic); PubMed 34055426 (cited by Clinical Genomics, Uppaluri K&H Personalized Medicine Clinic); PubMed 29280746 (cited by Clinical Genomics, Uppaluri K&H Personalized Medicine Clinic).